The following is an entry in ClinVar:

ClinVar aggregate classification (germline): Uncertain significance (1 of 4 stars; one submission).

Submission:

Ambry Genetics
Classification: Uncertain significance. Last evaluated: 2023-09-22. Review status: criteria provided, single submitter. Criteria: Ambry Variant Classification Scheme 2023. Collection method: clinical testing. Allele origin: germline.
Comment: The p.Y287S variant (also known as c.860A>C), located in coding exon 6 of the RECQL gene, results from an A to C substitution at nucleotide position 860. The tyrosine at codon 287 is replaced by serine, an amino acid with dissimilar properties. This amino acid position is conserved. In addition, the in silico prediction for this alteration is inconclusive. Since supporting evidence is limited at this time, the clinical significance of this alteration remains unclear.

NM_002907.4(RECQL):c.860A>C (p.Tyr287Ser)

Gene: RECQL (RecQ like helicase; minus strand). Cytogenetic location: 12p12.1.
Variant type: single nucleotide variant.
Coding change: c.860A>C on transcript NM_002907.4 (MANE Select); coding-DNA position 860, A replaced by C.
Protein change: p.Tyr287Ser; replaces tyrosine 287 with serine.
Molecular consequence: missense variant.
Genome position (GRCh38, 1-based): chr12:21,477,810, T>G on the plus strand (A>C on the coding strand, the complement: RECQL is on the minus strand). VCF-style: chr12-21477810-T-G. GRCh37 (hg19) VCF-style: chr12-21630744-T-G.
Other names: c.860A>C, p.Tyr287Ser (NM_032941.3); short protein forms Y287S.
Identifiers: ClinVar variation 3222991 (VCV003222991.1), dbSNP rs2540355622, ClinGen allele CA384123906.